The following is an entry in ClinVar:

ClinVar aggregate classification (germline): Uncertain significance (1 of 4 stars; one submission).

Allele frequency attached by ClinVar (database versions not stated): gnomAD exomes below 0.00001; gnomAD 0.00001.
gnomAD v4.1: 3 of 1,601,514 alleles (0.00019%); highest among the groups gnomAD compares: South Asian, 0.0011%; no homozygotes.

Submission:

Labcorp Genetics (formerly Invitae), Labcorp
Classification: Uncertain significance. Last evaluated: 2021-12-09. Review status: criteria provided, single submitter. Criteria: Invitae Variant Classification Sherloc (09022015). Collection method: clinical testing. Allele origin: germline.
Comment: In summary, the available evidence is currently insufficient to determine the role of this variant in disease. Therefore, it has been classified as a Variant of Uncertain Significance. Algorithms developed to predict the effect of missense changes on protein structure and function are either unavailable or do not agree on the potential impact of this missense change (SIFT: "Deleterious"; PolyPhen-2: "Benign"; Align-GVGD: "Class C0"). This variant has not been reported in the literature in individuals affected with FAR1-related conditions. This variant is not present in population databases (gnomAD no frequency). This sequence change replaces glutamic acid, which is acidic and polar, with lysine, which is basic and polar, at codon 85 of the FAR1 protein (p.Glu85Lys).

NM_032228.6(FAR1):c.253G>A (p.Glu85Lys)

Gene: FAR1 (fatty acyl-CoA reductase 1; plus strand). Cytogenetic location: 11p15.3.
Variant type: single nucleotide variant.
Coding change: c.253G>A on transcript NM_032228.6 (MANE Select); coding-DNA position 253, G replaced by A.
Protein change: p.Glu85Lys; replaces glutamic acid 85 with lysine.
Molecular consequence: missense variant.
Genome position (GRCh38, 1-based): chr11:13,700,380, G>A. VCF-style: chr11-13700380-G-A. GRCh37 (hg19) VCF-style: chr11-13721927-G-A.
Other names: short protein forms E85K.
Identifiers: ClinVar variation 1382872 (VCV001382872.6), dbSNP rs1848357944, ClinGen allele CA379856467.
Genomic context (GRCh38, chr11:13,700,380, plus strand): 5'-TTTGACAGATTGAGAGATGAAAATCCAGATTTTAGAGAGAAAATTATAGCAATCAACAGC[G>A]AACTCACCCAACCTAAACTGGCTCTCAGTGAAGAAGATAAAGAGGTGATCATAGATTCTA-3'
Protein context (NP_115604.1, residues 75-95): FREKIIAINS[Glu85Lys]LTQPKLALSE